The following is an entry in ClinVar:

NM_001229.5(CASP9):c.525C>T (p.Ser175=)

Gene: CASP9 (caspase 9; minus strand). Cytogenetic location: 1p36.21.
Variant type: single nucleotide variant.
Coding change: c.525C>T on transcript NM_001229.5 (MANE Select); coding-DNA position 525, C replaced by T.
Protein change: p.Ser175=; no amino-acid change (serine 175 retained).
Molecular consequence: synonymous variant. On other transcripts: non-coding transcript variant (2), intron variant (1).
Genome position (GRCh38, 1-based): chr1:15,507,004, G>A on the plus strand (C>T on the coding strand, the complement: CASP9 is on the minus strand). VCF-style: chr1-15507004-G-A. GRCh37 (hg19) VCF-style: chr1-15833499-G-A.
Other names: c.276C>T, p.Ser92= (NM_032996.3); c.418+11106C>T (NM_001278054.2).
Identifiers: ClinVar variation 727713 (VCV000727713.5), dbSNP rs2308948, ClinGen allele CA614565.

ClinVar aggregate classification (germline): Likely benign. Review status: criteria provided, single submitter (1 of 4 stars). 2 submissions from 2 submitters: Likely benign (1). 1 of the submissions does not count toward it. Last evaluated 2018-03-29.

Conditions:
CASP9-related disorder. Also called: CASP9-related condition.

Allele frequency attached by ClinVar (database versions not stated): gnomAD exomes 0.00005 and 0.00013; ExAC 0.00019; ESP Exome Variant Server 0.00031; 1000 Genomes Project 30x 0.00047; gnomAD 0.00059 and 0.00063; 1000 Genomes Project 0.00060; TOPMed 0.00060.
gnomAD v4.1: 169 of 1,614,174 alleles (0.01%); highest among the groups gnomAD compares: African/African-American, 0.2%; 2 homozygotes.

Submissions (2):

Labcorp Genetics (formerly Invitae), Labcorp
Classification: Likely benign. Last evaluated: 2018-03-29. Review status: criteria provided, single submitter. Criteria: Invitae Variant Classification Sherloc (09022015). Collection method: clinical testing. Allele origin: germline.

PreventionGenetics, part of Exact Sciences
Classification: Likely benign for CASP9-related condition. Last evaluated: 2019-08-20. Review status: no assertion criteria provided. Collection method: clinical testing. Allele origin: germline. Not counted in ClinVar's aggregate classification.
Comment: This variant is classified as likely benign based on ACMG/AMP sequence variant interpretation guidelines (Richards et al. 2015 PMID: 25741868, with internal and published modifications).